The following is an entry in ClinVar:

ClinVar aggregate classification (germline): Conflicting classifications of pathogenicity. Review status: criteria provided, conflicting classifications (1 of 4 stars). 2 submissions from 2 submitters: Uncertain significance (1); Likely benign (1). Last evaluated 2026-05-19.

Conditions:
Inborn genetic diseases. Identifiers: MedGen C0950123, MeSH D030342.

gnomAD v4.1: 155 of 1,613,898 alleles (0.0096%); highest among the groups gnomAD compares: East Asian, 0.35%; 1 homozygote.

Submissions (2):

Ambry Genetics
Classification: Likely benign for Inborn genetic diseases. Last evaluated: 2026-05-19. Review status: criteria provided, single submitter. Criteria: Ambry Variant Classification Scheme 2023. Collection method: clinical testing. Allele origin: germline.

Labcorp Genetics (formerly Invitae), Labcorp
Classification: Uncertain significance. Last evaluated: 2024-09-23. Review status: criteria provided, single submitter. Criteria: Invitae Variant Classification Sherloc (09022015). Collection method: clinical testing. Allele origin: germline.
Comment: This sequence change replaces serine, which is neutral and polar, with alanine, which is neutral and non-polar, at codon 213 of the VARS2 protein (p.Ser213Ala). This variant is present in population databases (rs753983802, gnomAD 0.06%). This variant has not been reported in the literature in individuals affected with VARS2-related conditions. Invitae Evidence Modeling of protein sequence and biophysical properties (such as structural, functional, and spatial information, amino acid conservation, physicochemical variation, residue mobility, and thermodynamic stability) has been performed for this missense variant. However, the output from this modeling did not meet the statistical confidence thresholds required to predict the impact of this variant on VARS2 protein function. In summary, the available evidence is currently insufficient to determine the role of this variant in disease. Therefore, it has been classified as a Variant of Uncertain Significance.

NM_020442.6(VARS2):c.547T>G (p.Ser183Ala)

Gene: VARS2 (valyl-tRNA synthetase 2, mitochondrial; plus strand). Cytogenetic location: 6p21.33.
Variant type: single nucleotide variant.
Coding change: c.547T>G on transcript NM_020442.6 (MANE Select); coding-DNA position 547, T replaced by G.
Protein change: p.Ser183Ala; replaces serine 183 with alanine.
Molecular consequence: missense variant.
Genome position (GRCh38, 1-based): chr6:30,916,021, T>G. VCF-style: chr6-30916021-T-G. GRCh37 (hg19) VCF-style: chr6-30883798-T-G.
Other names: c.637T>G, p.Ser213Ala (NM_001167734.2); c.127T>G, p.Ser43Ala (NM_001167733.3); c.637T>G (NM_001167734.1); short protein forms S183A, S213A, S43A.
Identifiers: ClinVar variation 3628917 (VCV003628917.3).